The following is an entry in ClinVar:

ClinVar aggregate classification (germline): Uncertain significance (1 of 4 stars; one submission).

Submission:

Ambry Genetics
Classification: Uncertain significance. Last evaluated: 2024-10-17. Review status: criteria provided, single submitter. Criteria: Ambry Variant Classification Scheme 2023. Collection method: clinical testing. Allele origin: germline.
Comment: The p.D871Y variant (also known as c.2611G>T), located in coding exon 24 of the KIF1B gene, results from a G to T substitution at nucleotide position 2611. The aspartic acid at codon 871 is replaced by tyrosine, an amino acid with highly dissimilar properties. This amino acid position is conserved. In addition, this alteration is predicted to be deleterious by in silico analysis. Based on the available evidence, the clinical significance of this variant remains unclear.

NM_001365951.3(KIF1B):c.2749G>T (p.Asp917Tyr)

Genes: KIF1B (kinesin family member 1B; plus strand), LOC126805614 (BRD4-independent group 4 enhancer GRCh37_chr1:10385546-10386745; plus strand). Cytogenetic location: 1p36.22.
Variant type: single nucleotide variant.
Coding change: c.2749G>T on transcript NM_001365951.3 (MANE Select); coding-DNA position 2749, G replaced by T.
Protein change: p.Asp917Tyr; replaces aspartic acid 917 with tyrosine.
Molecular consequence: missense variant.
Genome position (GRCh38, 1-based): chr1:10,326,184, G>T. VCF-style: chr1-10326184-G-T. GRCh37 (hg19) VCF-style: chr1-10386242-G-T.
Other names: c.2749G>T, p.Asp917Tyr (NM_001365952.1); c.2611G>T, p.Asp871Tyr (NM_015074.3); short protein forms D917Y, D871Y.
Identifiers: ClinVar variation 3534047 (VCV003534047.1).